The following is an entry in ClinVar:

NM_000587.4(C7):c.1909_1911dup (p.Met637dup)

Gene: C7 (complement C7; plus strand). Cytogenetic location: 5p13.1.
Variant type: Duplication.
Coding change: c.1909_1911dup on transcript NM_000587.4 (MANE Select); coding-DNA positions 1909 to 1911, 3 bases duplicated (ATG; older notation c.1909_1911dupATG).
Protein change: p.Met637dup; duplicates methionine 637.
Molecular consequence: inframe insertion.
Genome position (GRCh38, 1-based): chr5:40,972,429-40,972,431, ATG duplicated; duplicating any 3 consecutive bases within chr5:40,972,427-40,972,431 gives the same sequence; the c. name uses the placement nearest the transcript's 3' end. VCF-style (leftmost placement, unchanged base first): chr5-40972426-C-CTGA. GRCh37 (hg19) VCF-style: chr5-40972528-C-CTGA.
Identifiers: ClinVar variation 1467907 (VCV001467907.4), dbSNP rs761491305, ClinGen allele CA3250147.

ClinVar aggregate classification (germline): Uncertain significance. Review status: criteria provided, multiple submitters, no conflicts (2 of 4 stars). 2 submissions from 2 submitters: Uncertain significance (2). Last evaluated 2024-06-04.

Conditions:
Complement component 7 deficiency (C7D). Also called: C7 DEFICIENCY. Identifiers: MedGen C1864694, MONDO:0012412, OMIM 610102.

Submissions (2):

Fulgent Genetics
Classification: Uncertain significance for Complement component 7 deficiency. Last evaluated: 2024-06-04. Review status: criteria provided, single submitter. Criteria: ACMG Guidelines, 2015. Collection method: clinical testing. Allele origin: germline.

Labcorp Genetics (formerly Invitae), Labcorp
Classification: Uncertain significance. Last evaluated: 2022-07-26. Review status: criteria provided, single submitter. Criteria: Invitae Variant Classification Sherloc (09022015). Collection method: clinical testing. Allele origin: germline.
Comment: This variant, c.1909_1911dup, results in the insertion of 1 amino acid(s) of the C7 protein (p.Met637dup), but otherwise preserves the integrity of the reading frame. This variant is present in population databases (rs761491305, gnomAD 0.2%). This variant has not been reported in the literature in individuals affected with C7-related conditions. ClinVar contains an entry for this variant (Variation ID: 1467907). Experimental studies and prediction algorithms are not available or were not evaluated, and the functional significance of this variant is currently unknown. In summary, the available evidence is currently insufficient to determine the role of this variant in disease. Therefore, it has been classified as a Variant of Uncertain Significance.